The following is an entry in ClinVar:

ClinVar aggregate classification (germline): Likely benign. Review status: criteria provided, multiple submitters, no conflicts (2 of 4 stars). 4 submissions from 4 submitters: Likely benign (4). Last evaluated 2026-09-01.

Conditions:
Glycogen storage disease type III (GSD3). Also called: FORBES DISEASE; Cori disease. Identifiers: Orphanet 366, MedGen C0017922, MONDO:0009291, OMIM 232400.

Allele frequency attached by ClinVar (database versions not stated): gnomAD exomes below 0.00001.
gnomAD v4.1: 3 of 1,614,014 alleles (0.00019%); highest among the groups gnomAD compares: African/African-American, 0.0013%; no homozygotes.

Submissions (4):

CeGaT Center for Human Genetics Tuebingen
Classification: Likely benign. Last evaluated: 2026-09-01. Review status: criteria provided, single submitter. Criteria: CeGaT Center For Human Genetics Tuebingen Variant Classification Criteria Version 2. Collection method: clinical testing. Allele origin: germline. Affected: yes. Observed: 1 variant allele.
Comment: AGL: BP4, BP7

Labcorp Genetics (formerly Invitae), Labcorp
Classification: Likely benign for Glycogen storage disease type III. Last evaluated: 2025-02-06. Review status: criteria provided, single submitter. Criteria: Invitae Variant Classification Sherloc (09022015). Collection method: clinical testing. Allele origin: germline.

Genome-Nilou Lab
Classification: Likely benign for Glycogen storage disease type III. Last evaluated: 2023-04-11. Review status: criteria provided, single submitter. Criteria: ACMG Guidelines, 2015. Collection method: clinical testing. Allele origin: germline. Affected: no.

Fulgent Genetics
Classification: Likely benign for Glycogen storage disease type III. Last evaluated: 2021-09-29. Review status: criteria provided, single submitter. Criteria: ACMG Guidelines, 2015. Collection method: clinical testing. Allele origin: unknown.

NM_000642.3(AGL):c.2565T>C (p.His855=)

Gene: AGL (amylo-alpha-1,6-glucosidase and 4-alpha-glucanotransferase; plus strand). Cytogenetic location: 1p21.2.
Variant type: single nucleotide variant.
Coding change: c.2565T>C on transcript NM_000642.3 (MANE Select); coding-DNA position 2565, T replaced by C.
Protein change: p.His855=; no amino-acid change (histidine 855 retained).
Molecular consequence: synonymous variant.
Genome position (GRCh38, 1-based): chr1:99,884,587, T>C. VCF-style: chr1-99884587-T-C. GRCh37 (hg19) VCF-style: chr1-100350143-T-C.
Other names: c.2565T>C, p.His855= (NM_000028.3, NM_000643.3, NM_000644.3 and 2 more transcripts); c.2517T>C, p.His839= (NM_000646.3); c.2364T>C, p.His788= (NM_001425327.1); c.2361T>C, p.His787= (NM_001425328.1); c.2187T>C, p.His729= (NM_001425332.1).
Identifiers: ClinVar variation 1154141 (VCV001154141.13), dbSNP rs1312742910, ClinGen allele CA419083340.
Genomic context (GRCh38, chr1:99,884,587, plus strand): 5'-ATTACTCCTAAAAATTAACCACTTTTTAATTAACATTTTCAGAGTTAGTCTTGATCCACA[T>C]GCACAAGTCGCTGTTGGAATTCTTCGAAATCATCTGACACAATTCAGTCCTCACTTTAAA-3'
Protein context (NP_000633.2, residues 845-865): VIIFRVSLDP[His855=]AQVAVGILRN